The following is an entry in ClinVar:

ClinVar aggregate classification (germline): Uncertain significance (1 of 4 stars; one submission).

Conditions:
Neuropathy, hereditary sensory and autonomic, type 2A (HSAN2A). Also called: ACROOSTEOLYSIS, GIACCAI TYPE; ACROOSTEOLYSIS, NEUROGENIC; WNK1-Related HSAN2 (HSAN2A); HSAN IIA; MORVAN DISEASE; NEUROPATHY, CONGENITAL SENSORY. Identifiers: Orphanet 970, MedGen C2752089, MONDO:0024309, OMIM 201300.
Pseudohypoaldosteronism type 2C (PHA2C). Also called: Pseudohypoaldosteronism Type IIC. Identifiers: Orphanet 757, Orphanet 88940, MedGen C1840391, MONDO:0013778, OMIM 614492.

Submission:

Labcorp Genetics (formerly Invitae), Labcorp
Classification: Uncertain significance for Neuropathy, hereditary sensory and autonomic, type 2A; Pseudohypoaldosteronism type 2C. Last evaluated: 2019-06-28. Review status: criteria provided, single submitter. Criteria: Invitae Variant Classification Sherloc (09022015). Collection method: clinical testing. Allele origin: germline.
Comment: This sequence change replaces alanine with glycine at codon 1926 of the WNK1 protein (p.Ala1926Gly). The alanine residue is highly conserved and there is a small physicochemical difference between alanine and glycine. This variant is not present in population databases (ExAC no frequency). This variant has not been reported in the literature in individuals with WNK1-related conditions. Algorithms developed to predict the effect of missense changes on protein structure and function are either unavailable or do not agree on the potential impact of this missense change (SIFT: "Tolerated"; PolyPhen-2: "Not Available"; Align-GVGD: "Class C0"). In summary, the available evidence is currently insufficient to determine the role of this variant in disease. Therefore, it has been classified as a Variant of Uncertain Significance.

NM_018979.4(WNK1):c.5021C>G (p.Ala1674Gly)

Gene: WNK1 (WNK lysine deficient protein kinase 1; plus strand). Cytogenetic location: 12p13.33.
Variant type: single nucleotide variant.
Coding change: c.5021C>G on transcript NM_018979.4 (MANE Select); coding-DNA position 5021, C replaced by G.
Protein change: p.Ala1674Gly; replaces alanine 1674 with glycine.
Molecular consequence: missense variant.
Genome position (GRCh38, 1-based): chr12:885,825, C>G. VCF-style: chr12-885825-C-G. GRCh37 (hg19) VCF-style: chr12-994991-C-G.
Other names: c.5801C>G, p.Ala1934Gly (NM_001184985.2); c.4280C>G, p.Ala1427Gly (NM_014823.3); c.5777C>G, p.Ala1926Gly (NM_213655.5); short protein forms A1926G, A1427G, A1674G, A1934G.
Identifiers: ClinVar variation 951180 (VCV000951180.9), dbSNP rs1953594663, ClinGen allele CA383332441.